The following is an entry in ClinVar:

ClinVar aggregate classification (germline): Pathogenic (1 of 4 stars; one submission).

Conditions:
Neurofibromatosis, type 1 (NF1). Also called: Peripheral type neurofibromatosis; VON RECKLINGHAUSEN DISEASE; NEUROFIBROMATOSIS, TYPE I, SOMATIC; Neurofibromatosis, type I. Identifiers: Orphanet 636, MedGen C0027831, MONDO:0018975, OMIM 162200. Disease mechanism: loss of function.

Submission:

Labcorp Genetics (formerly Invitae), Labcorp
Classification: Pathogenic for Neurofibromatosis, type 1. Last evaluated: 2019-11-12. Review status: criteria provided, single submitter. Criteria: Invitae Variant Classification Sherloc (09022015). Collection method: clinical testing. Allele origin: germline.
Comment: For these reasons, this variant has been classified as Pathogenic. Loss-of-function variants in NF1 are known to be pathogenic (PMID: 10712197, 23913538). This variant has not been reported in the literature in individuals with NF1-related conditions. This variant is not present in population databases (ExAC no frequency). This sequence change creates a premature translational stop signal (p.Ile280*) in the NF1 gene. It is expected to result in an absent or disrupted protein product.

Literature cited by the submitters: PubMed 10712197; PubMed 23913538.

NM_001042492.3(NF1):c.838del (p.Glu279_Ile280insTer)

Gene: NF1 (neurofibromin 1; plus strand). Cytogenetic location: 17q11.2.
Variant type: Deletion.
Coding change: c.838del on transcript NM_001042492.3 (MANE Select); coding-DNA position 838, one base deleted (A; older notation c.838delA).
Protein change: p.Glu279_Ile280insTer.
Molecular consequence: nonsense. On other transcripts: frameshift variant (1).
Genome position (GRCh38, 1-based): chr17:31,182,615, A deleted; the last of 3 consecutive A bases (chr17:31,182,613-31,182,615); deleting any one gives the same sequence. VCF-style (leftmost placement, unchanged base first): chr17-31182612-GA-G. GRCh37 (hg19) VCF-style: chr17-29509630-GA-G.
Other names: c.838del, p.Glu279_Ile280insTer (NM_001128147.3); c.838delA, p.Ile280Terfs (NM_000267.4).
Identifiers: ClinVar variation 963736 (VCV000963736.6), dbSNP rs2066158359, ClinGen allele CA1139665361.